The following is an entry in ClinVar:

NM_002474.3(MYH11):c.4204G>A (p.Glu1402Lys)

Genes: MYH11 (myosin heavy chain 11; minus strand), NDE1 (nudE neurodevelopment protein 1; plus strand). Cytogenetic location: 16p13.11.
Variant type: single nucleotide variant.
Coding change: c.4204G>A on transcript NM_002474.3 (MANE Select); coding-DNA position 4204, G replaced by A.
Protein change: p.Glu1402Lys; replaces glutamic acid 1402 with lysine.
Molecular consequence: missense variant. On other transcripts: 3 prime UTR variant (2).
Genome position (GRCh38, 1-based): chr16:15,724,322, C>T on the plus strand (G>A on the coding strand, the complement: MYH11 is on the minus strand). VCF-style: chr16-15724322-C-T. GRCh37 (hg19) VCF-style: chr16-15818179-C-T.
Other names: c.4225G>A, p.Glu1409Lys (NM_001040113.2, NM_001040114.2); c.4204G>A, p.Glu1402Lys (NM_022844.3); c.*71C>T (NM_001143979.2, NM_017668.3); short protein forms E1402K, E1409K.
Identifiers: ClinVar variation 1329446 (VCV001329446.4), dbSNP rs764341540, ClinGen allele CA7921736.

ClinVar aggregate classification (germline): Uncertain significance. Review status: criteria provided, multiple submitters, no conflicts (2 of 4 stars). 3 submissions from 3 submitters: Uncertain significance (2). 1 of the submissions does not count toward it. Last evaluated 2024-01-11.

Conditions:
MYH11-related disorder. Also called: MYH11-related condition.
Familial thoracic aortic aneurysm and aortic dissection (TAAD). Also called: Thoracic aortic aneurysms and dissections. Identifiers: Orphanet 91387, MedGen C4707243, MONDO:0019625.

Allele frequency attached by ClinVar (database versions not stated): TOPMed below 0.00001; gnomAD 0.00001; gnomAD exomes 0.00001; ExAC 0.00002.
gnomAD v4.1: 6 of 1,614,042 alleles (0.00037%); highest among the groups gnomAD compares: African/African-American, 0.0013%; no homozygotes.

Submissions (3):

All of Us Research Program, National Institutes of Health
Classification: Uncertain significance for Familial thoracic aortic aneurysm and aortic dissection. Last evaluated: 2024-01-11. Review status: criteria provided, single submitter. Criteria: ACMG Guidelines, 2015. Collection method: clinical testing. Allele origin: germline. Inheritance: Autosomal dominant inheritance. Observed: 1 variant allele, 1 heterozygote.
Comment: This study involves interpretation of variants in research participants for the purpose of population health screening. Participant phenotype was not available at the time of variant classification. Additional details can be found in publication PMID: 35346344, PMCID: PMC8962531

CHEO Genetics Diagnostic Laboratory, Children's Hospital of Eastern Ontario
Classification: Uncertain significance for Familial thoracic aortic aneurysm and aortic dissection. Last evaluated: 2021-01-15. Review status: criteria provided, single submitter. Criteria: ACMG Guidelines, 2015. Collection method: clinical testing. Allele origin: germline.

PreventionGenetics, part of Exact Sciences
Classification: Uncertain significance for MYH11-related condition. Last evaluated: 2024-03-19. Review status: no assertion criteria provided. Collection method: clinical testing. Allele origin: germline. Not counted in ClinVar's aggregate classification.
Comment: The MYH11 c.4225G>A variant is predicted to result in the amino acid substitution p.Glu1409Lys. To our knowledge, this variant has not been reported in the literature. This variant is reported in 0.0018% of alleles in individuals of European (Non-Finnish) descent in gnomAD. At this time, the clinical significance of this variant is uncertain due to the absence of conclusive functional and genetic evidence.